The following is an entry in ClinVar:

ClinVar aggregate classification (germline): Uncertain significance (1 of 4 stars; one submission).

Conditions:
Hypercoagulability syndrome due to glycosylphosphatidylinositol deficiency (GPIBD1). Also called: GLYCOSYLPHOSPHATIDYLINOSITOL BIOSYNTHESIS DEFECT 1. Identifiers: Orphanet 83639, MedGen C5201145, MONDO:0012465, OMIM 610293.

Submission:

Labcorp Genetics (formerly Invitae), Labcorp
Classification: Uncertain significance for Hypercoagulability syndrome due to glycosylphosphatidylinositol deficiency. Last evaluated: 2025-10-27. Review status: criteria provided, single submitter. Criteria: Invitae Variant Classification Sherloc (09022015). Collection method: clinical testing. Allele origin: germline.
Comment: This sequence change replaces tyrosine, which is neutral and polar, with cysteine, which is neutral and slightly polar, at codon 209 of the PIGM protein (p.Tyr209Cys). This variant is not present in population databases (gnomAD no frequency). This variant has not been reported in the literature in individuals affected with PIGM-related conditions. An algorithm developed to predict the effect of missense changes on protein structure and function outputs the following: PolyPhen-2: "Benign". The cysteine amino acid residue is found in multiple mammalian species, which suggests that this missense change does not adversely affect protein function. In summary, the available evidence is currently insufficient to determine the role of this variant in disease. Therefore, it has been classified as a Variant of Uncertain Significance.

NM_145167.3(PIGM):c.626A>G (p.Tyr209Cys)

Gene: PIGM (phosphatidylinositol glycan anchor biosynthesis class M; minus strand). Cytogenetic location: 1q23.2.
Variant type: single nucleotide variant.
Coding change: c.626A>G on transcript NM_145167.3 (MANE Select); coding-DNA position 626, A replaced by G.
Protein change: p.Tyr209Cys; replaces tyrosine 209 with cysteine.
Molecular consequence: missense variant.
Genome position (GRCh38, 1-based): chr1:160,031,114, T>C on the plus strand (A>G on the coding strand, the complement: PIGM is on the minus strand). VCF-style: chr1-160031114-T-C. GRCh37 (hg19) VCF-style: chr1-160000904-T-C.
Other names: short protein forms Y209C.
Identifiers: ClinVar variation 4777804 (VCV004777804.1).